The following is an entry in ClinVar:

ClinVar aggregate classification (germline): Benign. Review status: criteria provided, multiple submitters, no conflicts (2 of 4 stars). 13 submissions from 13 submitters: Benign (12). 1 of the submissions does not count toward it. Last evaluated 2026-02-04.

Conditions:
Alport syndrome. Also called: Hemorrhagic familial nephritis; Hemorrhagic hereditary nephritis; Congenital hereditary hematuria. Identifiers: Orphanet 63, MedGen C1567741, MONDO:0018965.
Autosomal recessive Alport syndrome (ATS2). Also called: ALPORT SYNDROME 2, AUTOSOMAL RECESSIVE; Alport syndrome type 2; COL4A4 Alport Syndrome and Thin Basement Membrane Nephropathy; COL4A3-Related Nephropathy. Identifiers: Orphanet 63, Orphanet 88919, MedGen C4746745, MONDO:0008762, OMIM 203780.

Allele frequency attached by ClinVar (database versions not stated): gnomAD exomes 0.43110 and 0.46690; ESP Exome Variant Server 0.45480; ExAC 0.46492; gnomAD 0.47936 and 0.48067; TOPMed 0.48307; 1000 Genomes Project 0.51558; 1000 Genomes Project 30x 0.51702.
gnomAD v4.1: 702,533 of 1,611,954 alleles (44%); highest among the groups gnomAD compares: African/African-American, 60%; 156,585 homozygotes.

Submissions (13):

Labcorp Genetics (formerly Invitae), Labcorp
Classification: Benign. Last evaluated: 2026-02-04. Review status: criteria provided, single submitter. Criteria: Invitae Variant Classification Sherloc (09022015). Collection method: clinical testing. Allele origin: germline.

Women's Health and Genetics/Laboratory Corporation of America, LabCorp
Classification: Benign. Last evaluated: 2024-11-29. Review status: criteria provided, single submitter. Criteria: LabCorp Variant Classification Summary - May 2015. Collection method: clinical testing. Allele origin: germline.

Blueprint Genetics
Classification: Benign. Last evaluated: 2024-11-26. Review status: criteria provided, single submitter. Criteria: ACMG Guidelines, 2015. Collection method: clinical testing. Allele origin: germline.

Unidad de Genómica Garrahan, Hospital de Pediatría Garrahan
Classification: Benign. Last evaluated: 2024-07-15. Review status: criteria provided, single submitter. Criteria: ACMG Guidelines, 2015. Collection method: clinical testing. Allele origin: germline. Affected: no. Observed: 65 variant alleles.
Comment: This variant is classified as Benign based on local population frequency. This variant was detected in 70% of patients studied in a panel designed for Epileptic and Developmental Encephalopathy and Progressive Myoclonus Epilepsy. Number of patients: 65. Only high quality variants are reported.

Mayo Clinic Laboratories, Mayo Clinic
Classification: Benign. Last evaluated: 2022-03-09. Review status: criteria provided, single submitter. Criteria: ACMG Guidelines, 2015. Collection method: clinical testing. Allele origin: germline. Observed: 253 variant alleles.

Genome-Nilou Lab
Classification: Benign for Autosomal recessive Alport syndrome. Last evaluated: 2021-07-10. Review status: criteria provided, single submitter. Criteria: ACMG Guidelines, 2015. Collection method: clinical testing. Allele origin: germline. Affected: no.

Illumina Laboratory Services, Illumina
Classification: Benign for Alport syndrome. Last evaluated: 2018-01-13. Review status: criteria provided, single submitter. Criteria: ICSL Variant Classification Criteria 13 December 2019. Collection method: clinical testing. Allele origin: germline.
Comment: This variant was observed in the ICSL laboratory as part of a predisposition screen in an ostensibly healthy population. It had not been previously curated by ICSL or reported in the Human Gene Mutation Database (HGMD: prior to June 1st, 2018), and was therefore a candidate for classification through an automated scoring system. Utilizing variant allele frequency, disease prevalence and penetrance estimates, and inheritance mode, an automated score was calculated to assess if this variant is too frequent to cause the disease. Based on the score and internal cut-off values, a variant classified as benign is not then subjected to further curation. The score for this variant resulted in a classification of benign for this disease.

GeneDx
Classification: Benign. Last evaluated: 2017-05-09. Review status: criteria provided, single submitter. Criteria: GeneDx Variant Classification (06012015). Collection method: clinical testing. Allele origin: germline. Affected: yes.
Comment: This variant is considered likely benign or benign based on one or more of the following criteria: it is a conservative change, it occurs at a poorly conserved position in the protein, it is predicted to be benign by multiple in silico algorithms, and/or has population frequency not consistent with disease.

Athena Diagnostics
Classification: Benign. Last evaluated: 2017-04-03. Review status: criteria provided, single submitter. Criteria: Athena Diagnostics Criteria. Collection method: clinical testing. Allele origin: germline.

Laboratory for Molecular Medicine, Mass General Brigham Personalized Medicine
Classification: Benign. Last evaluated: 2016-03-21. Review status: criteria provided, single submitter. Criteria: LMM Criteria. Collection method: clinical testing. Allele origin: germline. Observed: 38 variant alleles.
Comment: c.4523-8T>C in intron 46 of COL4A4: This variant is not expected to have clinica l significance because a T>C change at this position does not diverge from the s plice consensus sequence and is therefore unlikely to impact splicing. It has be en identified in 64.07% (847/1322) of African chromosomes by the 1000 Genomes Pr oject (Phase 3; dbSNP rs13419076).

Breakthrough Genomics
Classification: Benign. Review status: criteria provided, single submitter. Criteria: ACMG Guidelines, 2015. Collection method: not provided. Allele origin: germline. Inheritance: Autosomal recessive inheritance. Affected: yes.

PreventionGenetics, part of Exact Sciences
Classification: Benign. Review status: criteria provided, single submitter. Criteria: ACMG Guidelines, 2015. Collection method: clinical testing. Allele origin: germline.

Natera, Inc.
Classification: Benign for Alport syndrome. Last evaluated: 2020-09-16. Review status: no assertion criteria provided. Collection method: clinical testing. Allele origin: germline. Not counted in ClinVar's aggregate classification.

NM_000092.5(COL4A4):c.4523-8T>C

Gene: COL4A4 (collagen type IV alpha 4 chain; minus strand). Cytogenetic location: 2q36.3.
Variant type: single nucleotide variant.
Coding change: c.4523-8T>C on transcript NM_000092.5 (MANE Select); 8 bases into the intron before coding-DNA position 4523, T replaced by C.
Molecular consequence: intron variant.
Genome position (GRCh38, 1-based): chr2:227,008,312, A>G on the plus strand (T>C on the coding strand, the complement: COL4A4 is on the minus strand). VCF-style: chr2-227008312-A-G. GRCh37 (hg19) VCF-style: chr2-227873028-A-G.
Other names: p.?.
Identifiers: ClinVar variation 255040 (VCV000255040.27), dbSNP rs13419076, ClinGen allele CA2144130.